The following is an entry in ClinVar:

NM_001291415.2(KDM6A):c.705_706del (p.Asn236fs)

Gene: KDM6A (lysine demethylase 6A; plus strand). Cytogenetic location: Xp11.3.
Variant type: Microsatellite.
Coding change: c.705_706del on transcript NM_001291415.2 (MANE Select); coding-DNA positions 705 to 706, 2 bases deleted (GA; older notation c.705_706delGA).
Protein change: p.Asn236fs; shifts the reading frame from asparagine 236.
Molecular consequence: frameshift variant. On other transcripts: 5 prime UTR variant (1), non-coding transcript variant (1).
Genome position (GRCh38, 1-based): chrX:45,051,759-45,051,760, GA deleted; deleting any 2 consecutive bases within chrX:45,051,756-45,051,760 gives the same sequence; the c. name uses the placement nearest the transcript's 3' end. VCF-style (leftmost placement, unchanged base first): chrX-45051755-CAG-C. GRCh37 (hg19) VCF-style: chrX-44911000-CAG-C.
Other names: c.705_706del, p.Asn236fs (NM_001291416.2, NM_001291417.2, NM_001291418.2 and 1 more transcripts); c.-51GA[1] (NM_001291421.2); c.703_704GA[1], p.Asn236Serfs (NM_001410742.1); short protein forms N236fs.
Identifiers: ClinVar variation 2429725 (VCV002429725.2), dbSNP rs2522637013, ClinGen allele CA2580617013.

ClinVar aggregate classification (germline): Pathogenic. Review status: criteria provided, multiple submitters, no conflicts (2 of 4 stars). 2 submissions from 2 submitters: Pathogenic (2). Last evaluated 2023-12-27.

Conditions:
KDM6A-related disorder. Also called: KDM6A-related condition.

Submissions (2):

Blueprint Genetics
Classification: Pathogenic for KDM6A-related disorders. Last evaluated: 2023-12-27. Review status: criteria provided, single submitter. Criteria: ACMG Guidelines, 2015. Collection method: clinical testing. Allele origin: de novo. Affected: yes. Observed: 1 variant allele.

GeneDx
Classification: Pathogenic. Last evaluated: 2022-08-11. Review status: criteria provided, single submitter. Criteria: GeneDx Variant Classification Process June 2021. Collection method: clinical testing. Allele origin: germline. Affected: yes.
Comment: Frameshift variant predicted to result in protein truncation or nonsense mediated decay in a gene for which loss of function is a known mechanism of disease; Not observed at significant frequency in large population cohorts (gnomAD); This variant is associated with the following publications: (PMID: 34904097)